The following is an entry in ClinVar:

ClinVar aggregate classification (germline): Uncertain significance (1 of 4 stars; one submission).

Submission:

Ambry Genetics
Classification: Uncertain significance. Last evaluated: 2021-11-06. Review status: criteria provided, single submitter. Criteria: Ambry Variant Classification Scheme 2023. Collection method: clinical testing. Allele origin: germline.
Comment: The p.Q1154P variant (also known as c.3461A>C), located in coding exon 4 of the ALPK2 gene, results from an A to C substitution at nucleotide position 3461. The glutamine at codon 1154 is replaced by proline, an amino acid with similar properties. This amino acid position is conserved. In addition, this alteration is predicted to be tolerated by in silico analysis. Since supporting evidence is limited at this time, the clinical significance of this alteration remains unclear.

NM_052947.4(ALPK2):c.3461A>C (p.Gln1154Pro)

Gene: ALPK2 (alpha kinase 2; minus strand). Cytogenetic location: 18q21.31.
Variant type: single nucleotide variant.
Coding change: c.3461A>C on transcript NM_052947.4 (MANE Select); coding-DNA position 3461, A replaced by C.
Protein change: p.Gln1154Pro; replaces glutamine 1154 with proline.
Molecular consequence: missense variant.
Genome position (GRCh38, 1-based): chr18:58,536,726, T>G on the plus strand (A>C on the coding strand, the complement: ALPK2 is on the minus strand). VCF-style: chr18-58536726-T-G. GRCh37 (hg19) VCF-style: chr18-56203958-T-G.
Other names: short protein forms Q1154P.
Identifiers: ClinVar variation 1731644 (VCV001731644.2), dbSNP rs2144147545, ClinGen allele CA402566822.